The following is an entry in ClinVar:

ClinVar aggregate classification (germline): Benign (1 of 4 stars; one submission).

Conditions:
Legius syndrome. Identifiers: Orphanet 137605, MedGen C1969623, MONDO:0012669, OMIM 611431. Disease mechanism: loss of function.

Allele frequency attached by ClinVar (database versions not stated): gnomAD 0.00908; 1000 Genomes Project 0.00919; TOPMed 0.00976; 1000 Genomes Project 30x 0.01046.

Submission:

Illumina Laboratory Services, Illumina
Classification: Benign for Legius syndrome. Last evaluated: 2018-01-13. Review status: criteria provided, single submitter. Criteria: ICSL Variant Classification Criteria 13 December 2019. Collection method: clinical testing. Allele origin: germline.
Comment: This variant was observed in the ICSL laboratory as part of a predisposition screen in an ostensibly healthy population. It had not been previously curated by ICSL or reported in the Human Gene Mutation Database (HGMD: prior to June 1st, 2018), and was therefore a candidate for classification through an automated scoring system. Utilizing variant allele frequency, disease prevalence and penetrance estimates, and inheritance mode, an automated score was calculated to assess if this variant is too frequent to cause the disease. Based on the score and internal cut-off values, a variant classified as benign is not then subjected to further curation. The score for this variant resulted in a classification of benign for this disease.

NM_152594.3(SPRED1):c.*3698T>G

Gene: SPRED1 (sprouty related EVH1 domain containing 1; plus strand). Cytogenetic location: 15q14.
Variant type: single nucleotide variant.
Coding change: c.*3698T>G on transcript NM_152594.3 (MANE Select); 3698 bases downstream of the stop codon, T replaced by G.
Molecular consequence: 3 prime UTR variant.
Genome position (GRCh38, 1-based): chr15:38,355,362, T>G. VCF-style: chr15-38355362-T-G. GRCh37 (hg19) VCF-style: chr15-38647563-T-G.
Identifiers: ClinVar variation 315773 (VCV000315773.5), dbSNP rs76527876, ClinGen allele CA10641697.